The following is an entry in ClinVar:

NM_005751.5(AKAP9):c.7243G>A (p.Val2415Ile)

Gene: AKAP9 (A-kinase anchoring protein 9; plus strand). Cytogenetic location: 7q21.2.
Variant type: single nucleotide variant.
Coding change: c.7243G>A on transcript NM_005751.5 (MANE Select); coding-DNA position 7243, G replaced by A.
Protein change: p.Val2415Ile; replaces valine 2415 with isoleucine.
Molecular consequence: missense variant.
Genome position (GRCh38, 1-based): chr7:92,079,376, G>A. VCF-style: chr7-92079376-G-A. GRCh37 (hg19) VCF-style: chr7-91708690-G-A.
Other names: c.1888G>A, p.Val630Ile (NM_001379277.1); c.7219G>A, p.Val2407Ile (NM_147185.3); short protein forms V2415I, V2407I, V630I.
Identifiers: ClinVar variation 263540 (VCV000263540.3), dbSNP rs886038843, ClinGen allele CA10587657.

ClinVar aggregate classification (germline): Uncertain significance (1 of 4 stars; one submission).

Conditions:
Cardiovascular phenotype. Identifiers: MedGen CN230736.

Submission:

Ambry Genetics
Classification: Uncertain significance for Cardiovascular phenotype. Last evaluated: 2013-02-27. Review status: criteria provided, single submitter. Criteria: Ambry Autosomal Dominant and X-Linked criteria (10/2015). Collection method: clinical testing. Allele origin: germline. Observed: 1 variant allele.
Comment: There is insufficient or conflicting evidence for classification of this alteration.